The following is an entry in ClinVar:

NM_032242.4(PLXNA1):c.1453C>T (p.Pro485Ser)

Gene: PLXNA1 (plexin A1; plus strand). Cytogenetic location: 3q21.3.
Variant type: single nucleotide variant.
Coding change: c.1453C>T on transcript NM_032242.4 (MANE Select); coding-DNA position 1453, C replaced by T.
Protein change: p.Pro485Ser; replaces proline 485 with serine.
Molecular consequence: missense variant.
Genome position (GRCh38, 1-based): chr3:127,003,405, C>T. VCF-style: chr3-127003405-C-T. GRCh37 (hg19) VCF-style: chr3-126722248-C-T.
Other names: short protein forms P485S.
Identifiers: ClinVar variation 3659463 (VCV003659463.2).

ClinVar aggregate classification (germline): Uncertain significance (1 of 4 stars; one submission).

gnomAD v4.1: 2 of 1,611,788 alleles (0.00012%); highest among the groups gnomAD compares: Non-Finnish European, 0.00017%; no homozygotes.

Submission:

Labcorp Genetics (formerly Invitae), Labcorp
Classification: Uncertain significance. Last evaluated: 2024-07-14. Review status: criteria provided, single submitter. Criteria: Invitae Variant Classification Sherloc (09022015). Collection method: clinical testing. Allele origin: germline.
Comment: This sequence change replaces proline, which is neutral and non-polar, with serine, which is neutral and polar, at codon 485 of the PLXNA1 protein (p.Pro485Ser). This variant is not present in population databases (gnomAD no frequency). This variant has not been reported in the literature in individuals affected with PLXNA1-related conditions. Advanced modeling of protein sequence and biophysical properties (such as structural, functional, and spatial information, amino acid conservation, physicochemical variation, residue mobility, and thermodynamic stability) performed at Invitae indicates that this missense variant is not expected to disrupt PLXNA1 protein function with a negative predictive value of 80%. In summary, the available evidence is currently insufficient to determine the role of this variant in disease. Therefore, it has been classified as a Variant of Uncertain Significance.